The following is an entry in ClinVar:

ClinVar aggregate classification (germline): Conflicting classifications of pathogenicity. Review status: criteria provided, conflicting classifications (1 of 4 stars). 2 submissions from 2 submitters: Uncertain significance (1); Likely benign (1). Last evaluated 2025-05-23.

Conditions:
Tuberous sclerosis 2 (TSC2). Identifiers: Orphanet 805, MedGen C1860707, MONDO:0013199, OMIM 613254.
Hereditary cancer-predisposing syndrome. Also called: Hereditary Cancer Syndrome; Hereditary neoplastic syndrome; Neoplastic Syndromes, Hereditary; Tumor predisposition. Identifiers: Orphanet 140162, MedGen C0027672, MeSH D009386, MONDO:0015356.

Submissions (2):

Ambry Genetics
Classification: Likely benign for Hereditary cancer-predisposing syndrome. Last evaluated: 2025-05-23. Review status: criteria provided, single submitter. Criteria: Ambry Variant Classification Scheme 2023. Collection method: clinical testing. Allele origin: germline.

Labcorp Genetics (formerly Invitae), Labcorp
Classification: Uncertain significance for Tuberous sclerosis 2. Last evaluated: 2023-11-28. Review status: criteria provided, single submitter. Criteria: Invitae Variant Classification Sherloc (09022015). Collection method: clinical testing. Allele origin: germline.
Comment: This sequence change replaces glycine, which is neutral and non-polar, with serine, which is neutral and polar, at codon 459 of the TSC2 protein (p.Gly459Ser). This variant is not present in population databases (gnomAD no frequency). This variant has not been reported in the literature in individuals affected with TSC2-related conditions. Advanced modeling of protein sequence and biophysical properties (such as structural, functional, and spatial information, amino acid conservation, physicochemical variation, residue mobility, and thermodynamic stability) performed at Invitae indicates that this missense variant is not expected to disrupt TSC2 protein function with a negative predictive value of 95%. In summary, the available evidence is currently insufficient to determine the role of this variant in disease. Therefore, it has been classified as a Variant of Uncertain Significance.

NM_000548.5(TSC2):c.1375G>A (p.Gly459Ser)

Gene: TSC2 (TSC complex subunit 2; plus strand). Cytogenetic location: 16p13.3.
Variant type: single nucleotide variant.
Coding change: c.1375G>A on transcript NM_000548.5 (MANE Select); coding-DNA position 1375, G replaced by A.
Protein change: p.Gly459Ser; replaces glycine 459 with serine.
Molecular consequence: missense variant. On other transcripts: non-coding transcript variant (5), intron variant (1).
Genome position (GRCh38, 1-based): chr16:2,062,985, G>A. VCF-style: chr16-2062985-G-A. GRCh37 (hg19) VCF-style: chr16-2112986-G-A.
Other names: c.1264G>A, p.Gly422Ser (NM_001406678.1, NM_001406670.1, NM_001318827.2); c.1228G>A, p.Gly410Ser (NM_001406679.1, NM_001406675.1, NM_001406676.1 and 1 more transcripts); c.775G>A, p.Gly259Ser (NM_001406680.1, NM_001406682.1, NM_001406683.1 and 6 more transcripts); c.913G>A, p.Gly305Ser (NM_001406681.1); c.1318G>A, p.Gly440Ser (NM_001406677.1); c.1375G>A, p.Gly459Ser (NM_001406664.1, NM_001406665.1, NM_021055.3 and 6 more transcripts); c.1465G>A, p.Gly489Ser (NM_001406667.1, NM_001406668.1); c.1363G>A, p.Gly455Ser (NM_001406671.1, NM_001406673.1); and 3 more; short protein forms G11S, G259S, G410S, G455S, G489S, G305S, G422S, G470S.
Identifiers: ClinVar variation 2699378 (VCV002699378.4), dbSNP rs1567432890, ClinGen allele CA394323652.